The following is an entry in ClinVar:

NM_001381902.1(SAGE1):c.1119G>T (p.Leu373Phe)

Gene: SAGE1 (sarcoma antigen 1; plus strand). Cytogenetic location: Xq26.3.
Variant type: single nucleotide variant.
Coding change: c.1119G>T on transcript NM_001381902.1 (MANE Select); coding-DNA position 1119, G replaced by T.
Protein change: p.Leu373Phe; replaces leucine 373 with phenylalanine.
Molecular consequence: missense variant.
Genome position (GRCh38, 1-based): chrX:135,907,801, G>T. VCF-style: chrX-135907801-G-T. GRCh37 (hg19) VCF-style: chrX-134989960-G-T.
Other names: c.1119G>T, p.Leu373Phe (NM_018666.3); short protein forms L373F.
Identifiers: ClinVar variation 3052353 (VCV003052353.2), dbSNP rs137926286, ClinGen allele CA10524099.

ClinVar aggregate classification (germline): Benign (0 of 4 stars; one submission).

Conditions:
SAGE1-related disorder. Also called: SAGE1-related condition.

Allele frequency attached by ClinVar (database versions not stated): gnomAD exomes 0.00043; ExAC 0.00141; ESP Exome Variant Server 0.00388; 1000 Genomes Project 0.00424; gnomAD 0.00443; 1000 Genomes Project 30x 0.00458; TOPMed 0.00576.
gnomAD v4.1: 999 of 1,208,904 alleles (0.083%); highest among the groups gnomAD compares: African/African-American, 1.4%; 5 homozygotes.

Submission:

PreventionGenetics, part of Exact Sciences
Classification: Benign for SAGE1-related condition. Last evaluated: 2019-08-14. Review status: no assertion criteria provided. Collection method: clinical testing. Allele origin: germline.
Comment: This variant is classified as benign based on ACMG/AMP sequence variant interpretation guidelines (Richards et al. 2015 PMID: 25741868, with internal and published modifications).